The following is an entry in ClinVar:

ClinVar aggregate classification (germline): Pathogenic/Likely pathogenic. Review status: criteria provided, multiple submitters, no conflicts (2 of 4 stars). 4 submissions from 4 submitters: Pathogenic (1); Likely pathogenic (3). Last evaluated 2024-09-23.

Conditions:
Retinitis pigmentosa 25 (RP25). Identifiers: Orphanet 791, MedGen C1864446, MONDO:0011272, OMIM 602772.

Submissions (4):

Natera, Inc.
Classification: Likely pathogenic for Retinitis pigmentosa type 25. Last evaluated: 2024-09-23. Review status: criteria provided, single submitter. Criteria: Natera Variant Classification Schema (03/2026). Collection method: clinical testing. Allele origin: germline.
Comment: The c.637_643delGAACTTG variant in EYS is a frameshift variant predicted to shift the reading frame beginning at codon 213 and leads to a stop codon 42 codons downstream. This variant is expected to result in nonsense mediated decay, truncation, or a dysfunctional protein product. This variant is rare in the general population with a frequency below the threshold expected for the associated phenotype(s). Given the available evidence, this variant is classified as Likely Pathogenic.

Fulgent Genetics
Classification: Likely pathogenic for Retinitis pigmentosa 25. Last evaluated: 2024-01-09. Review status: criteria provided, single submitter. Criteria: ACMG Guidelines, 2015. Collection method: clinical testing. Allele origin: germline.

Labcorp Genetics (formerly Invitae), Labcorp
Classification: Pathogenic. Last evaluated: 2023-05-11. Review status: criteria provided, single submitter. Criteria: Invitae Variant Classification Sherloc (09022015). Collection method: clinical testing. Allele origin: germline.
Comment: For these reasons, this variant has been classified as Pathogenic. ClinVar contains an entry for this variant (Variation ID: 1074492). This variant has not been reported in the literature in individuals affected with EYS-related conditions. This variant is not present in population databases (gnomAD no frequency). This sequence change creates a premature translational stop signal (p.Glu213Metfs*42) in the EYS gene. It is expected to result in an absent or disrupted protein product. Loss-of-function variants in EYS are known to be pathogenic (PMID: 18836446, 20333770).

Baylor Genetics
Classification: Likely pathogenic for Retinitis pigmentosa 25. Last evaluated: 2023-02-25. Review status: criteria provided, single submitter. Criteria: ACMG Guidelines, 2015. Collection method: clinical testing. Allele origin: unknown.

Literature cited by the submitters: PubMed 18836446 (cited by Labcorp Genetics (formerly Invitae), Labcorp); PubMed 20333770 (cited by Labcorp Genetics (formerly Invitae), Labcorp).

NM_001142800.2(EYS):c.637_643del (p.Glu213fs)

Gene: EYS (EGF-like photoreceptor maintenance factor; minus strand). Cytogenetic location: 6q12.
Variant type: Deletion.
Coding change: c.637_643del on transcript NM_001142800.2 (MANE Select); coding-DNA positions 637 to 643, 7 bases deleted (GAACTTG; older notation c.637_643delGAACTTG).
Protein change: p.Glu213fs; shifts the reading frame from glutamic acid 213.
Molecular consequence: frameshift variant.
Genome position (GRCh38, 1-based): chr6:65,494,768-65,494,774, CAAGTTC deleted on the plus strand (GAACTTG on the coding strand, the reverse complement: EYS is on the minus strand); deleting any 7 consecutive bases within chr6:65,494,768-65,494,775 gives the same sequence; the c. name uses the placement nearest the transcript's 3' end. VCF-style (leftmost placement, unchanged base first): chr6-65494767-TCAAGTTC-T. GRCh37 (hg19) VCF-style: chr6-66204660-TCAAGTTC-T.
Other names: c.637_643del, p.Glu213fs (NM_001142801.2, NM_001292009.2, NM_198283.2); c.637_643delGAACTTG (NM_001142800.1); short protein forms E213fs.
Identifiers: ClinVar variation 1074492 (VCV001074492.10), dbSNP rs1285201633, ClinGen allele CA827148429.